The following is an entry in ClinVar:

ClinVar aggregate classification (germline): Uncertain significance (1 of 4 stars; one submission).

Submission:

Labcorp Genetics (formerly Invitae), Labcorp
Classification: Uncertain significance. Last evaluated: 2025-02-12. Review status: criteria provided, single submitter. Criteria: Invitae Variant Classification Sherloc (09022015). Collection method: clinical testing. Allele origin: germline.
Comment: This sequence change replaces proline, which is neutral and non-polar, with leucine, which is neutral and non-polar, at codon 629 of the MAGEL2 protein (p.Pro629Leu). This variant is not present in population databases (gnomAD no frequency). This variant has not been reported in the literature in individuals affected with MAGEL2-related conditions. Invitae Evidence Modeling of protein sequence and biophysical properties (such as structural, functional, and spatial information, amino acid conservation, physicochemical variation, residue mobility, and thermodynamic stability) indicates that this missense variant is not expected to disrupt MAGEL2 protein function with a negative predictive value of 80%. In summary, the available evidence is currently insufficient to determine the role of this variant in disease. Therefore, it has been classified as a Variant of Uncertain Significance.

NM_019066.5(MAGEL2):c.1886C>T (p.Pro629Leu)

Gene: MAGEL2 (MAGE family member L2; minus strand). Cytogenetic location: 15q11.2.
Variant type: single nucleotide variant.
Coding change: c.1886C>T on transcript NM_019066.5 (MANE Select); coding-DNA position 1886, C replaced by T.
Protein change: p.Pro629Leu; replaces proline 629 with leucine.
Molecular consequence: missense variant.
Genome position (GRCh38, 1-based): chr15:23,645,857, G>A on the plus strand (C>T on the coding strand, the complement: MAGEL2 is on the minus strand). VCF-style: chr15-23645857-G-A. GRCh37 (hg19) VCF-style: chr15-23891004-G-A.
Other names: short protein forms P629L.
Identifiers: ClinVar variation 3698607 (VCV003698607.2).